The following is an entry in ClinVar:

ClinVar aggregate classification (germline): Uncertain significance (1 of 4 stars; one submission).

Submission:

Women's Health and Genetics/Laboratory Corporation of America, LabCorp
Classification: Uncertain significance. Last evaluated: 2024-04-29. Review status: criteria provided, single submitter. Criteria: LabCorp Variant Classification Summary - May 2015. Collection method: clinical testing. Allele origin: germline.
Comment: Variant summary: RASA2 c.1034C>T (p.Ser345Leu) results in a non-conservative amino acid change located in the Ras GTPase-activating domain (IPR001936) of the encoded protein sequence. Four of five in-silico tools predict a damaging effect of the variant on protein function. The frequency data for this variant in gnomAD is considered unreliable, as metrics indicate poor data quality at this position. To our knowledge, no occurrence of c.1034C>T in individuals affected with Noonan Syndrome and no experimental evidence demonstrating its impact on protein function have been reported. No submitters have cited clinical-significance assessments for this variant to ClinVar. Based on the evidence outlined above, the variant was classified as uncertain significance.

NM_006506.5(RASA2):c.1034C>T (p.Ser345Leu)

Gene: RASA2 (RAS p21 protein activator 2; plus strand). Cytogenetic location: 3q23.
Variant type: single nucleotide variant.
Coding change: c.1034C>T on transcript NM_006506.5 (MANE Select); coding-DNA position 1034, C replaced by T.
Protein change: p.Ser345Leu; replaces serine 345 with leucine.
Molecular consequence: missense variant.
Genome position (GRCh38, 1-based): chr3:141,571,419, C>T. VCF-style: chr3-141571419-C-T. GRCh37 (hg19) VCF-style: chr3-141290261-C-T.
Other names: c.1034C>T, p.Ser345Leu (NM_001303245.3, NM_001303246.3); short protein forms S345L.
Identifiers: ClinVar variation 3251589 (VCV003251589.1), dbSNP rs2478713051.